The following is an entry in ClinVar:

ClinVar aggregate classification (germline): Uncertain significance (1 of 4 stars; one submission).

Conditions:
Noonan syndrome 9 (NS9). Identifiers: Orphanet 648, MedGen C4225282, MONDO:0014691, OMIM 616559.

Allele frequency attached by ClinVar (database versions not stated): gnomAD exomes below 0.00001; TOPMed below 0.00001.
gnomAD v4.1: 1 of 1,610,872 alleles (0.000062%); highest among the groups gnomAD compares: Non-Finnish European, 0.000085%; no homozygotes.

Submission:

Labcorp Genetics (formerly Invitae), Labcorp
Classification: Uncertain significance for Noonan syndrome 9. Last evaluated: 2025-10-13. Review status: criteria provided, single submitter. Criteria: Invitae Variant Classification Sherloc (09022015). Collection method: clinical testing. Allele origin: germline.
Comment: This sequence change replaces lysine, which is basic and polar, with arginine, which is basic and polar, at codon 812 of the SOS2 protein (p.Lys812Arg). This variant is not present in population databases (gnomAD no frequency). This variant has not been reported in the literature in individuals affected with SOS2-related conditions. ClinVar contains an entry for this variant (Variation ID: 2094403). Invitae Evidence Modeling of protein sequence and biophysical properties (such as structural, functional, and spatial information, amino acid conservation, physicochemical variation, residue mobility, and thermodynamic stability) indicates that this missense variant is not expected to disrupt SOS2 protein function with a negative predictive value of 95%. In summary, the available evidence is currently insufficient to determine the role of this variant in disease. Therefore, it has been classified as a Variant of Uncertain Significance.

NM_006939.4(SOS2):c.2435A>G (p.Lys812Arg)

Gene: SOS2 (SOS Ras/Rho guanine nucleotide exchange factor 2; minus strand). Cytogenetic location: 14q21.3.
Variant type: single nucleotide variant.
Coding change: c.2435A>G on transcript NM_006939.4 (MANE Select); coding-DNA position 2435, A replaced by G.
Protein change: p.Lys812Arg; replaces lysine 812 with arginine.
Molecular consequence: missense variant.
Genome position (GRCh38, 1-based): chr14:50,145,546, T>C on the plus strand (A>G on the coding strand, the complement: SOS2 is on the minus strand). VCF-style: chr14-50145546-T-C. GRCh37 (hg19) VCF-style: chr14-50612264-T-C.
Other names: c.2336A>G, p.Lys779Arg (NM_001411020.1); short protein forms K812R, K779R.
Identifiers: ClinVar variation 2094403 (VCV002094403.4), dbSNP rs1884439818, ClinGen allele CA389643457.